The following is an entry in ClinVar:

NM_000059.4(BRCA2):c.3755C>T (p.Ser1252Phe)

Gene: BRCA2 (BRCA2 DNA repair associated; plus strand). Cytogenetic location: 13q13.1.
Variant type: single nucleotide variant.
Coding change: c.3755C>T on transcript NM_000059.4 (MANE Select); coding-DNA position 3755, C replaced by T.
Protein change: p.Ser1252Phe; replaces serine 1252 with phenylalanine.
Molecular consequence: missense variant.
Genome position (GRCh38, 1-based): chr13:32,338,110, C>T. VCF-style: chr13-32338110-C-T. GRCh37 (hg19) VCF-style: chr13-32912247-C-T.
Other names: c.3755C>T, p.Ser1252Phe (NM_001406719.1, NM_001406720.1); short protein forms S1252F.
Identifiers: ClinVar variation 1718740 (VCV001718740.7), dbSNP rs1361496246, ClinGen allele CA387778201.

ClinVar aggregate classification (germline): Conflicting classifications of pathogenicity. Review status: criteria provided, conflicting classifications (1 of 4 stars). 2 submissions from 2 submitters: Uncertain significance (1); Likely benign (1). Last evaluated 2024-02-02.

Conditions:
Hereditary cancer-predisposing syndrome. Also called: Hereditary neoplastic syndrome; Neoplastic Syndromes, Hereditary; Hereditary Cancer Syndrome; Tumor predisposition. Identifiers: Orphanet 140162, MedGen C0027672, MeSH D009386, MONDO:0015356.
Hereditary breast ovarian cancer syndrome. Also called: BRCA1- and BRCA2-Associated Hereditary Breast and Ovarian Cancer; Hereditary breast and ovarian cancer syndrome (HBOC); Hereditary breast and/or ovarian cancer syndrome; Hereditary breast and ovarian cancer syndrome; Hereditary breast and ovarian cancer; Breast and ovarian cancer. Identifiers: Orphanet 145, MedGen C0677776, MeSH D061325, MONDO:0003582. Disease mechanism: loss of function.

Submissions (2):

Labcorp Genetics (formerly Invitae), Labcorp
Classification: Uncertain significance for Hereditary breast ovarian cancer syndrome. Last evaluated: 2024-02-02. Review status: criteria provided, single submitter. Criteria: Invitae Variant Classification Sherloc (09022015). Collection method: clinical testing. Allele origin: germline.
Comment: This sequence change replaces serine, which is neutral and polar, with phenylalanine, which is neutral and non-polar, at codon 1252 of the BRCA2 protein (p.Ser1252Phe). This variant is present in population databases (no rsID available, gnomAD 0.0009%). This variant has not been reported in the literature in individuals affected with BRCA2-related conditions. ClinVar contains an entry for this variant (Variation ID: 1718740). Advanced modeling of protein sequence and biophysical properties (such as structural, functional, and spatial information, amino acid conservation, physicochemical variation, residue mobility, and thermodynamic stability) performed at Invitae indicates that this missense variant is not expected to disrupt BRCA2 protein function with a negative predictive value of 95%. In summary, the available evidence is currently insufficient to determine the role of this variant in disease. Therefore, it has been classified as a Variant of Uncertain Significance.

University of Washington Department of Laboratory Medicine, University of Washington
Classification: Likely benign for Hereditary cancer-predisposing syndrome. Last evaluated: 2023-03-23. Review status: criteria provided, single submitter. Criteria: Dines et al. (Genet Med. 2020). Collection method: curation. Allele origin: germline.
Comment: Missense variant in a coldspot region where missense variants are very unlikely to be pathogenic (PMID:31911673).

BRCA2 exon 11 coldspot. Reclassification based on statistical prior probability.